The following is an entry in ClinVar:

ClinVar aggregate classification (germline): Uncertain significance (1 of 4 stars; one submission).

Conditions:
Mucopolysaccharidosis, MPS-III-B (MPS3B). Also called: MPS IIIB (Sanfilippo Syndrome Type B); N-ACETYL-ALPHA-D-GLUCOSAMINIDASE DEFICIENCY; NAGLU DEFICIENCY; SANFILIPPO SYNDROME B; MPS III B; Mucopolysaccharidosis type IIIB (Sanfilippo B). Identifiers: Orphanet 79270, MedGen C0086648, MONDO:0009656, OMIM 252920.
Charcot-Marie-Tooth disease axonal type 2V. Also called: CHARCOT-MARIE-TOOTH NEUROPATHY, TYPE 2V; CHARCOT-MARIE-TOOTH DISEASE, AXONAL, AUTOSOMAL DOMINANT, TYPE 2V. Identifiers: Orphanet 447964, MedGen C5569050, MONDO:0014665, OMIM 616491.

Submission:

Labcorp Genetics (formerly Invitae), Labcorp
Classification: Uncertain significance for Charcot-Marie-Tooth disease axonal type 2V; Mucopolysaccharidosis, MPS-III-B. Last evaluated: 2025-06-24. Review status: criteria provided, single submitter. Criteria: Invitae Variant Classification Sherloc (09022015). Collection method: clinical testing. Allele origin: germline.
Comment: This sequence change replaces glycine, which is neutral and non-polar, with glutamic acid, which is acidic and polar, at codon 11 of the NAGLU protein (p.Gly11Glu). This variant is not present in population databases (gnomAD no frequency). This variant has not been reported in the literature in individuals affected with NAGLU-related conditions. Invitae Evidence Modeling of protein sequence and biophysical properties (such as structural, functional, and spatial information, amino acid conservation, physicochemical variation, residue mobility, and thermodynamic stability) indicates that this missense variant is not expected to disrupt NAGLU protein function with a negative predictive value of 80%. In summary, the available evidence is currently insufficient to determine the role of this variant in disease. Therefore, it has been classified as a Variant of Uncertain Significance.

NM_000263.4(NAGLU):c.32G>A (p.Gly11Glu)

Genes: NAGLU (N-acetyl-alpha-glucosaminidase; plus strand), LOC130060903 (ATAC-STARR-seq lymphoblastoid silent region 8533; plus strand). Cytogenetic location: 17q21.2.
Variant type: single nucleotide variant.
Coding change: c.32G>A on transcript NM_000263.4 (MANE Select); coding-DNA position 32, G replaced by A.
Protein change: p.Gly11Glu; replaces glycine 11 with glutamic acid.
Molecular consequence: missense variant.
Genome position (GRCh38, 1-based): chr17:42,536,304, G>A. VCF-style: chr17-42536304-G-A. GRCh37 (hg19) VCF-style: chr17-40688322-G-A.
Other names: short protein forms G11E.
Identifiers: ClinVar variation 4793126 (VCV004793126.1).